The following continues an entry in ClinVar:

NM_000262.3(NAGA):c.973G>A (p.Glu325Lys)

Gene: NAGA. ClinVar aggregate classification (germline): Conflicting classifications of pathogenicity. Pathogenic (15); Likely pathogenic (10); Uncertain significance (5).

Submissions 26 to 32 of 32:

Knight Diagnostic Laboratories, Oregon Health and Sciences University
Classification: Likely pathogenic for Schindler disease, type i. Last evaluated: 2018-03-07. Review status: criteria provided, single submitter. Criteria: ACMG Guidelines, 2015. Collection method: clinical testing. Allele origin: germline. Observed: 1 variant allele.

Illumina Laboratory Services, Illumina
Classification: Uncertain significance for Alpha-N-acetylgalactosaminidase deficiency type 2. Last evaluated: 2017-04-27. Review status: criteria provided, single submitter. Criteria: ICSL Variant Classification Criteria 13 December 2019. Collection method: clinical testing. Allele origin: germline.
Comment: This variant was observed as part of a predisposition screen in an ostensibly healthy population. A literature search was performed for the gene, cDNA change, and amino acid change (where applicable). Publications were found based on this search. However, the evidence from the literature, in combination with allele frequency data from public databases where available, was not sufficient to rule this variant in or out of causing disease. Therefore, this variant is classified as a variant of unknown significance.

Eurofins Ntd Llc (ga)
Classification: Pathogenic. Last evaluated: 2016-08-16. Review status: criteria provided, single submitter. Criteria: EGL Classification Definitions 2015. Collection method: clinical testing. Allele origin: germline. Observed: 2 variant alleles, 2 heterozygotes.

Genetic Services Laboratory, University of Chicago
Classification: Pathogenic for Alpha-N-acetylgalactosaminidase deficiency. Last evaluated: 2016-03-25. Review status: criteria provided, single submitter. Criteria: ACMG Guidelines, 2015. Collection method: clinical testing. Allele origin: germline. Affected: yes.

CENTOGENE GmbH and LLC - Guiding Precision Medicine
Classification: Pathogenic for Alpha-N-acetylgalactosaminidase deficiency type 1. Review status: criteria provided, single submitter. Criteria: ACMG Guidelines, 2015. Collection method: clinical testing. Allele origin: germline. Affected: yes.

PreventionGenetics, part of Exact Sciences
Classification: Pathogenic for NAGA-related condition. Last evaluated: 2024-09-03. Review status: no assertion criteria provided. Collection method: clinical testing. Allele origin: germline. Not counted in ClinVar's aggregate classification.
Comment: The NAGA c.973G>A variant is predicted to result in the amino acid substitution p.Glu325Lys. This variant has been reported in the homozygous or compound heterozygous state in patients with enzymatic and/or biochemical test results consistent with alpha-N-acetylgalactosaminidase deficiency (Wang et al. 1990. PubMed ID: 2243144; Keulemans et al. 1996. PubMed ID: 8782044; Bakker et al. 2001. PubMed ID: 11313741; Chabás et al. 2007. PubMed ID: 17171432). In all of those studies, the p.Glu325Lys variant was reported to reduce enzyme activity to <1% of wild-type. Of note, the c.973G>A variant has been reported at an allele frequency of up to 0.41% in a large population database, which is relatively high for a pathogenic variant. However, based on its effect on NAGA enzyme activity, we classify the c.973G>A (p.Glu325Lys) variant as pathogenic.

OMIM
Classification: Pathogenic for SCHINDLER DISEASE, TYPE I. Last evaluated: 2001-02-01. Review status: no assertion criteria provided. Collection method: literature only. Allele origin: germline. Not counted in ClinVar's aggregate classification.

Literature cited by the submitters: PubMed 1131374 (cited by Labcorp Genetics (formerly Invitae), Labcorp); PubMed 7707696 (cited by Labcorp Genetics (formerly Invitae), Labcorp and Laboratory for Molecular Medicine, Mass General Brigham Personalized Medicine); PubMed 8040340 (cited by 7 submitters); PubMed 8071745 (cited by Labcorp Genetics (formerly Invitae), Labcorp and Mayo Clinic Laboratories, Mayo Clinic); PubMed 2243144 (cited by 8 submitters); PubMed 8782044 (cited by 8 submitters); PubMed 11313741 (cited by 8 submitters); PubMed 2889023 (cited by Ambry Genetics and Mayo Clinic Laboratories, Mayo Clinic); PubMed 17171432 (cited by 3 submitters); PubMed 28518168 (cited by Ambry Genetics); PubMed 32461654 (cited by Ambry Genetics); PubMed 32860008 (cited by Ambry Genetics and CENTOGENE GmbH and LLC - Guiding Precision Medicine); PubMed 40083435 (cited by Ambry Genetics); PubMed 14685826 (cited by 4 submitters); PubMed 27138754 (cited by Mayo Clinic Laboratories, Mayo Clinic and Laboratory for Molecular Medicine, Mass General Brigham Personalized Medicine); PubMed 1313741 (cited by Genetics and Molecular Pathology, SA Pathology); PubMed 11251574 (cited by Women's Health and Genetics/Laboratory Corporation of America, LabCorp); PubMed 19683538 (cited by Laboratory for Molecular Medicine, Mass General Brigham Personalized Medicine and Illumina Laboratory Services, Illumina); PubMed 30487145 (cited by Laboratory for Molecular Medicine, Mass General Brigham Personalized Medicine); PubMed 29431110 (cited by Laboratory for Molecular Medicine, Mass General Brigham Personalized Medicine).